The following is an entry in ClinVar:

ClinVar aggregate classification (germline): Pathogenic/Likely pathogenic. Review status: criteria provided, multiple submitters, no conflicts (2 of 4 stars). 4 submissions from 4 submitters: Pathogenic (2); Likely pathogenic (1). 1 of the submissions does not count toward it. Last evaluated 2023-10-04.

Conditions:
Ehlers-Danlos syndrome, classic-like, 2. Identifiers: Orphanet 536532, MedGen C4693870, MONDO:0054813, OMIM 618000.

Allele frequency attached by ClinVar (database versions not stated): ExAC 0.00001; TOPMed 0.00001; gnomAD 0.00002.

Submissions (4):

Labcorp Genetics (formerly Invitae), Labcorp
Classification: Pathogenic. Last evaluated: 2023-10-04. Review status: criteria provided, single submitter. Criteria: Invitae Variant Classification Sherloc (09022015). Collection method: clinical testing. Allele origin: germline.
Comment: This sequence change creates a premature translational stop signal (p.Cys581*) in the AEBP1 gene. It is expected to result in an absent or disrupted protein product. Loss-of-function variants in AEBP1 are known to be pathogenic (PMID: 29606302). This variant is present in population databases (rs777647845, gnomAD 0.0008%). This premature translational stop signal has been observed in individual(s) with Ehlers-Danlos syndrome (PMID: 29606302). ClinVar contains an entry for this variant (Variation ID: 545022). For these reasons, this variant has been classified as Pathogenic.

Mayo Clinic Laboratories, Mayo Clinic
Classification: Pathogenic. Last evaluated: 2023-02-23. Review status: criteria provided, single submitter. Criteria: ACMG Guidelines, 2015. Collection method: clinical testing. Allele origin: germline. Observed: 1 variant allele.
Comment: PM2_supporting, PM3, PS4_moderate, PVS1

SIB Swiss Institute of Bioinformatics
Classification: Likely pathogenic for Ehlers-Danlos syndrome, classic-like, 2. Last evaluated: 2018-10-15. Review status: criteria provided, single submitter. Criteria: ACMG Guidelines, 2015. Collection method: curation. Allele origin: germline.
Comment: This variant is interpreted as Likely Pathogenic, for Ehlers-Danlos syndrome, classic-like, 2, autosomal recessive. The following ACMG Tag(s) were applied: PM2 => Absent from controls (or at extremely low frequency if recessive) in Exome Sequencing Project, 1000 Genomes Project, or Exome Aggregation Consortium. PVS1-Strong => PVS1 downgraded in strength to Strong.

OMIM
Classification: Pathogenic for EHLERS-DANLOS SYNDROME, CLASSIC-LIKE, 2. Last evaluated: 2018-05-30. Review status: no assertion criteria provided. Collection method: literature only. Allele origin: germline. Not counted in ClinVar's aggregate classification.

Literature cited by the submitters: PubMed 29606302 (cited by 4 submitters); PubMed 30548383 (cited by Mayo Clinic Laboratories, Mayo Clinic); PubMed 33144682 (cited by Mayo Clinic Laboratories, Mayo Clinic).

NM_001129.5(AEBP1):c.1743C>A (p.Cys581Ter)

Gene: AEBP1 (AE binding protein 1; plus strand). Cytogenetic location: 7p13.
Variant type: single nucleotide variant.
Coding change: c.1743C>A on transcript NM_001129.5 (MANE Select); coding-DNA position 1743, C replaced by A.
Protein change: p.Cys581Ter; replaces cysteine 581 with a stop codon.
Molecular consequence: nonsense.
Genome position (GRCh38, 1-based): chr7:44,111,533, C>A. VCF-style: chr7-44111533-C-A. GRCh37 (hg19) VCF-style: chr7-44151132-C-A.
Other names: AEBP1, CYS581TER (rs777647845); p.Cys581*; short protein forms C581*.
Identifiers: ClinVar variation 545022 (VCV000545022.5), dbSNP rs777647845, ClinGen allele CA4238000.